The following is an entry in ClinVar:

ClinVar aggregate classification (germline): Likely pathogenic (1 of 4 stars; one submission).

Conditions:
Intellectual developmental disorder with dysmorphic facies and ptosis (IDDDFP). Identifiers: Orphanet 698090, MedGen C4310617, MONDO:0015022, OMIM 617333.

Allele frequency attached by ClinVar (database versions not stated): gnomAD exomes 0.00001.
gnomAD v4.1: 11 of 1,613,808 alleles (0.00068%); highest among the groups gnomAD compares: Non-Finnish European, 0.00093%; no homozygotes.

Submission:

Genetics and Molecular Pathology, SA Pathology
Classification: Likely pathogenic for Intellectual developmental disorder with dysmorphic facies and ptosis. Last evaluated: 2022-01-18. Review status: criteria provided, single submitter. Criteria: ACMG Guidelines, 2015. Collection method: clinical testing. Allele origin: germline. Inheritance: Autosomal dominant inheritance. Affected: yes.
Comment: The BRPF1 c.898G>A variant is classified as LIKELY PATHOGENIC (PP3, PM2, PS2) The BRPF1 c.898G>A variant is a single nucleotide change in exon 3/14 of the BRPF1 gene, which is predicted to change the amino acid valine at position 300 in the protein to methionine. This variant has not been reported in dbSNP and is absent from population databases (PM2). This variant has not been reported in the ClinVar or HGMD disease databases. Computational predictions support a deleterious effect on the gene or gene product (PP3).

NM_001003694.2(BRPF1):c.898G>A (p.Val300Met)

Gene: BRPF1 (bromodomain and PHD finger containing 1; plus strand). Cytogenetic location: 3p25.3.
Variant type: single nucleotide variant.
Coding change: c.898G>A on transcript NM_001003694.2 (MANE Select); coding-DNA position 898, G replaced by A.
Protein change: p.Val300Met; replaces valine 300 with methionine.
Molecular consequence: missense variant. On other transcripts: non-coding transcript variant (1).
Genome position (GRCh38, 1-based): chr3:9,739,297, G>A. VCF-style: chr3-9739297-G-A. GRCh37 (hg19) VCF-style: chr3-9780981-G-A.
Other names: c.898G>A, p.Val300Met (NM_001319049.2, NM_001319050.2, NM_004634.3); short protein forms V300M.
Identifiers: ClinVar variation 1698831 (VCV001698831.2), dbSNP rs2125500407, ClinGen allele CA351685779.